The following is an entry in ClinVar:

NM_016628.5(WAC):c.58G>C (p.Gly20Arg)

Genes: WAC (WW domain containing adaptor with coiled-coil; plus strand), LOC130003576 (ATAC-STARR-seq lymphoblastoid silent region 2255; plus strand). Cytogenetic location: 10p12.1.
Variant type: single nucleotide variant.
Coding change: c.58G>C on transcript NM_016628.5 (MANE Select); coding-DNA position 58, G replaced by C.
Protein change: p.Gly20Arg; replaces glycine 20 with arginine.
Molecular consequence: missense variant. On other transcripts: 5 prime UTR variant (1).
Genome position (GRCh38, 1-based): chr10:28,534,014, G>C. VCF-style: chr10-28534014-G-C. GRCh37 (hg19) VCF-style: chr10-28822943-G-C.
Other names: c.-78G>C (NM_100264.3); c.58G>C, p.Gly20Arg (NM_100486.4); short protein forms G20R.
Identifiers: ClinVar variation 3777353 (VCV003777353.1).

ClinVar aggregate classification (germline): Uncertain significance (1 of 4 stars; one submission).

Submission:

GeneDx
Classification: Uncertain significance. Last evaluated: 2024-10-11. Review status: criteria provided, single submitter. Criteria: GeneDx Variant Classification Process June 2021. Collection method: clinical testing. Allele origin: germline. Affected: yes.
Comment: Not observed at significant frequency in large population cohorts (gnomAD); In silico analysis supports that this missense variant does not alter protein structure/function; Has not been previously published as pathogenic or benign to our knowledge